The following is an entry in ClinVar:

NM_002230.4(JUP):c.2215A>G (p.Thr739Ala)

Gene: JUP (junction plakoglobin; minus strand). Cytogenetic location: 17q21.2.
Variant type: single nucleotide variant.
Coding change: c.2215A>G on transcript NM_002230.4 (MANE Select); coding-DNA position 2215, A replaced by G.
Protein change: p.Thr739Ala; replaces threonine 739 with alanine.
Molecular consequence: missense variant.
Genome position (GRCh38, 1-based): chr17:41,755,767, T>C on the plus strand (A>G on the coding strand, the complement: JUP is on the minus strand). VCF-style: chr17-41755767-T-C. GRCh37 (hg19) VCF-style: chr17-39912019-T-C.
Other names: c.2215A>G, p.Thr739Ala (NM_021991.4, NM_001352773.2, NM_001352774.2 and 3 more transcripts); short protein forms T739A.
Identifiers: ClinVar variation 2448233 (VCV002448233.5), dbSNP rs200283001, ClinGen allele CA8564982.

ClinVar aggregate classification (germline): Conflicting classifications of pathogenicity. Review status: criteria provided, conflicting classifications (1 of 4 stars). 2 submissions from 2 submitters: Uncertain significance (1); Likely benign (1). Last evaluated 2025-08-20.

Conditions:
Arrhythmogenic right ventricular dysplasia 12. Also called: ARRHYTHMOGENIC RIGHT VENTRICULAR DYSPLASIA, FAMILIAL, 12. Identifiers: MedGen C1969081, MONDO:0012684, OMIM 611528.
Naxos disease (NXD). Also called: KERATOSIS PALMOPLANTARIS WITH ARRHYTHMOGENIC CARDIOMYOPATHY; MAL DE NAXOS; PALMOPLANTAR KERATODERMA WITH ARRHYTHMOGENIC RIGHT VENTRICULAR CARDIOMYOPATHY AND WOOLLY HAIR; WOOLLY HAIR, PALMOPLANTAR KERATODERMA, AND CARDIAC ABNORMALITIES; CARDIOMYOPATHY, ARRHYTHMOGENIC RIGHT VENTRICULAR, WITH SKIN, HAIR, AND NAIL ABNORMALITIES. Identifiers: Orphanet 34217, MedGen C1832600, MONDO:0011017, OMIM 601214.
Cardiovascular phenotype. Identifiers: MedGen CN230736.

Allele frequency attached by ClinVar (database versions not stated): TOPMed below 0.00001; gnomAD 0.00001; gnomAD exomes 0.00002; ExAC 0.00006; 1000 Genomes Project 30x 0.00016; 1000 Genomes Project 0.00020.

Submissions (2):

Labcorp Genetics (formerly Invitae), Labcorp
Classification: Uncertain significance for Arrhythmogenic right ventricular dysplasia 12; Naxos disease. Last evaluated: 2025-08-20. Review status: criteria provided, single submitter. Criteria: Invitae Variant Classification Sherloc (09022015). Collection method: clinical testing. Allele origin: germline.
Comment: This sequence change replaces threonine, which is neutral and polar, with alanine, which is neutral and non-polar, at codon 739 of the JUP protein (p.Thr739Ala). This variant is present in population databases (rs200283001, gnomAD 0.04%). This variant has not been reported in the literature in individuals affected with JUP-related conditions. ClinVar contains an entry for this variant (Variation ID: 2448233). An algorithm developed to predict the effect of missense changes on protein structure and function outputs the following: PolyPhen-2: "Benign". The alanine amino acid residue is found in multiple mammalian species, which suggests that this missense change does not adversely affect protein function. In summary, the available evidence is currently insufficient to determine the role of this variant in disease. Therefore, it has been classified as a Variant of Uncertain Significance.

Ambry Genetics
Classification: Likely benign for Cardiovascular phenotype. Last evaluated: 2022-11-02. Review status: criteria provided, single submitter. Criteria: Ambry Variant Classification Scheme 2023. Collection method: clinical testing. Allele origin: germline.